The following is an entry in ClinVar:

ClinVar aggregate classification (germline): Uncertain significance (1 of 4 stars; one submission).

Submission:

GeneDx
Classification: Uncertain significance. Last evaluated: 2024-02-04. Review status: criteria provided, single submitter. Criteria: GeneDx Variant Classification Process June 2021. Collection method: clinical testing. Allele origin: germline. Affected: yes.
Comment: Not observed at significant frequency in large population cohorts (gnomAD); In silico analysis supports that this missense variant has a deleterious effect on protein structure/function; Has not been previously published as pathogenic or benign to our knowledge

NM_001372044.2(SHANK3):c.353T>C (p.Leu118Pro)

Gene: SHANK3 (SH3 and multiple ankyrin repeat domains 3; plus strand). Cytogenetic location: 22q13.33.
Variant type: single nucleotide variant.
Coding change: c.353T>C on transcript NM_001372044.2 (MANE Select); coding-DNA position 353, T replaced by C.
Protein change: p.Leu118Pro; replaces leucine 118 with proline.
Molecular consequence: missense variant.
Genome position (GRCh38, 1-based): chr22:50,675,112, T>C. VCF-style: chr22-50675112-T-C. GRCh37 (hg19) VCF-style: chr22-51113540-T-C.
Other names: c.128T>C (NM_033517.1); short protein forms L118P.
Identifiers: ClinVar variation 3368755 (VCV003368755.1).